The following is an entry in ClinVar:

ClinVar aggregate classification (germline): Uncertain significance (1 of 4 stars; one submission).

Conditions:
Progressive myoclonic epilepsy type 3. Also called: EPILEPSY, PROGRESSIVE MYOCLONIC, 3, WITH OR WITHOUT INTRACELLULAR INCLUSIONS; CEROID LIPOFUSCINOSIS, NEURONAL, 14; EPILEPSY, PROGRESSIVE MYOCLONIC, 3, WITHOUT INTRACELLULAR INCLUSIONS; KCTD7-Related Progressive Myoclonic Epilepsy. Identifiers: Orphanet 263516, MedGen C2673257, MONDO:0012721, OMIM 611726.

Submission:

Labcorp Genetics (formerly Invitae), Labcorp
Classification: Uncertain significance for Progressive myoclonic epilepsy type 3. Last evaluated: 2022-12-06. Review status: criteria provided, single submitter. Criteria: Invitae Variant Classification Sherloc (09022015). Collection method: clinical testing. Allele origin: germline.
Comment: In summary, the available evidence is currently insufficient to determine the role of this variant in disease. Therefore, it has been classified as a Variant of Uncertain Significance. Advanced modeling of protein sequence and biophysical properties (such as structural, functional, and spatial information, amino acid conservation, physicochemical variation, residue mobility, and thermodynamic stability) performed at Invitae indicates that this missense variant is not expected to disrupt KCTD7 protein function. ClinVar contains an entry for this variant (Variation ID: 1004564). This missense change has been observed in individual(s) with clinical features of progressive myoclonic epilepsy (Invitae). In at least one individual the data is consistent with being in trans (on the opposite chromosome) from a pathogenic variant. This variant is not present in population databases (gnomAD no frequency). This sequence change replaces glycine, which is neutral and non-polar, with aspartic acid, which is acidic and polar, at codon 93 of the KCTD7 protein (p.Gly93Asp).

NM_153033.5(KCTD7):c.278G>A (p.Gly93Asp)

Gene: KCTD7 (potassium channel tetramerization domain containing 7; plus strand). Cytogenetic location: 7q11.21.
Variant type: single nucleotide variant.
Coding change: c.278G>A on transcript NM_153033.5 (MANE Select); coding-DNA position 278, G replaced by A.
Protein change: p.Gly93Asp; replaces glycine 93 with aspartic acid.
Molecular consequence: missense variant.
Genome position (GRCh38, 1-based): chr7:66,633,408, G>A. VCF-style: chr7-66633408-G-A. GRCh37 (hg19) VCF-style: chr7-66098395-G-A.
Other names: c.278G>A, p.Gly93Asp (NM_001167961.2); short protein forms G93D.
Identifiers: ClinVar variation 1004564 (VCV001004564.9), dbSNP rs373509859, ClinGen allele CA367695706.
Genomic context (GRCh38, chr7:66,633,408, plus strand): 5'-AAGACACCATGTTGGCAGCCATGTTCAGTGGGCGGCACTACATCCCCACGGACTCCGAGG[G>A]CCGGTACTTCATCGACCGAGATGGCACACACTTTGGGTATGTCTCTCCCTCTACAATCAA-3'
Protein context (NP_694578.1, residues 83-103): GRHYIPTDSE[Gly93Asp]RYFIDRDGTH